The following is an entry in ClinVar:

NM_000038.6(APC):c.4634C>A (p.Ser1545Ter)

Gene: APC (APC regulator of Wnt signaling pathway; plus strand). Cytogenetic location: 5q22.2.
Variant type: single nucleotide variant.
Coding change: c.4634C>A on transcript NM_000038.6 (MANE Select); coding-DNA position 4634, C replaced by A.
Protein change: p.Ser1545Ter; replaces serine 1545 with a stop codon.
Molecular consequence: nonsense.
Genome position (GRCh38, 1-based): chr5:112,840,228, C>A. VCF-style: chr5-112840228-C-A. GRCh37 (hg19) VCF-style: chr5-112175925-C-A.
Other names: c.4634C>A, p.Ser1545Ter (NM_001127510.3, NM_001354895.2); c.4580C>A, p.Ser1527Ter (NM_001127511.3); c.4688C>A, p.Ser1563Ter (NM_001354896.2); c.4664C>A, p.Ser1555Ter (NM_001354897.2); c.4559C>A, p.Ser1520Ter (NM_001354898.2); c.4550C>A, p.Ser1517Ter (NM_001354899.2); c.4511C>A, p.Ser1504Ter (NM_001354900.2); c.4457C>A, p.Ser1486Ter (NM_001354901.2); and 5 more; short protein forms S1527*, S1545*, S1262*, S1419*, S1555*, S1454*, S1520*, S1563*.
Identifiers: ClinVar variation 490280 (VCV000490280.5), dbSNP rs863225356, ClinGen allele CA16031485.

ClinVar aggregate classification (germline): Pathogenic. Review status: criteria provided, multiple submitters, no conflicts (2 of 4 stars). 2 submissions from 2 submitters: Pathogenic (2). Last evaluated 2023-05-11.

Conditions:
Familial adenomatous polyposis 1 (FAP1). Also called: POLYPOSIS, ADENOMATOUS INTESTINAL; FAMILIAL ADENOMATOUS POLYPOSIS 1, ATTENUATED. Identifiers: MedGen C2713442, MONDO:0021056, OMIM 175100. Disease mechanism: loss of function.
Hereditary cancer-predisposing syndrome. Also called: Hereditary Cancer Syndrome; Neoplastic Syndromes, Hereditary; Tumor predisposition; Hereditary neoplastic syndrome. Identifiers: Orphanet 140162, MedGen C0027672, MeSH D009386, MONDO:0015356.

Submissions (2):

Myriad Genetics, Inc.
Classification: Pathogenic for Familial adenomatous polyposis 1. Last evaluated: 2023-05-11. Review status: criteria provided, single submitter. Criteria: Myriad Autosomal Dominant, Autosomal Recessive and X-Linked Classification Criteria (2023). Collection method: clinical testing. Allele origin: unknown.
Comment: This variant is considered pathogenic. This variant creates a termination codon and is predicted to result in premature protein truncation.

Color Diagnostics, LLC DBA Color Health
Classification: Pathogenic for Hereditary cancer-predisposing syndrome. Last evaluated: 2020-04-15. Review status: criteria provided, single submitter. Criteria: ACMG Guidelines, 2015. Collection method: clinical testing. Allele origin: germline.
Comment: This variant changes 1 nucleotide, creating a premature translation stop signal in the last coding exon of the APC gene. While this mutant transcript is predicted to escape nonsense-mediated decay, it is expected to delete 1299 amino acids at the C-terminal end of the APC protein and disrupt the EB1 and HDLG binding domains. To our knowledge, this variant has not been reported in individuals affected with hereditary cancer in the literature. This variant has not been identified in the general population by the Genome Aggregation Database (gnomAD). Loss of APC function is a known mechanism of disease. Based on the available evidence, this variant is classified as Pathogenic.